The following is an entry in ClinVar:

NM_006269.2(RP1):c.5749C>T (p.His1917Tyr)

Genes: RP1 (RP1 axonemal microtubule associated; plus strand), LOC126860392 (CDK7 strongly-dependent group 2 enhancer GRCh37_chr8:55541319-55542518; plus strand). Cytogenetic location: 8q12.1.
Variant type: single nucleotide variant.
Coding change: c.5749C>T on transcript NM_006269.2 (MANE Select); coding-DNA position 5749, C replaced by T.
Protein change: p.His1917Tyr; replaces histidine 1917 with tyrosine.
Molecular consequence: missense variant. On other transcripts: intron variant (1).
Genome position (GRCh38, 1-based): chr8:54,629,631, C>T. VCF-style: chr8-54629631-C-T. GRCh37 (hg19) VCF-style: chr8-55542191-C-T.
Other names: c.787+7343C>T (NM_001375654.1); short protein forms H1917Y.
Identifiers: ClinVar variation 1996899 (VCV001996899.4), dbSNP rs949161951, ClinGen allele CA177184033.

ClinVar aggregate classification (germline): Uncertain significance (1 of 4 stars; one submission).

Allele frequency attached by ClinVar (database versions not stated): gnomAD exomes below 0.00001; TOPMed below 0.00001.
gnomAD v4.1: 1 of 1,613,918 alleles (0.000062%); highest among the groups gnomAD compares: Non-Finnish European, 0.000085%; no homozygotes.

Submission:

Labcorp Genetics (formerly Invitae), Labcorp
Classification: Uncertain significance. Last evaluated: 2022-11-22. Review status: criteria provided, single submitter. Criteria: Invitae Variant Classification Sherloc (09022015). Collection method: clinical testing. Allele origin: germline.
Comment: Algorithms developed to predict the effect of missense changes on protein structure and function output the following: SIFT: "Deleterious"; PolyPhen-2: "Probably Damaging"; Align-GVGD: "Class C0". The tyrosine amino acid residue is found in multiple mammalian species, which suggests that this missense change does not adversely affect protein function. In summary, the available evidence is currently insufficient to determine the role of this variant in disease. Therefore, it has been classified as a Variant of Uncertain Significance. This variant has not been reported in the literature in individuals affected with RP1-related conditions. This sequence change replaces histidine, which is basic and polar, with tyrosine, which is neutral and polar, at codon 1917 of the RP1 protein (p.His1917Tyr). This variant is present in population databases (no rsID available, gnomAD 0.005%).